The following is an entry in ClinVar:

ClinVar aggregate classification (germline): Uncertain significance. Review status: criteria provided, multiple submitters, no conflicts (2 of 4 stars). 2 submissions from 2 submitters: Uncertain significance (2). Last evaluated 2025-05-21.

Allele frequency attached by ClinVar (database versions not stated): ExAC 0.00001; gnomAD exomes 0.00001.

Submissions (2):

Labcorp Genetics (formerly Invitae), Labcorp
Classification: Uncertain significance. Last evaluated: 2025-05-21. Review status: criteria provided, single submitter. Criteria: Invitae Variant Classification Sherloc (09022015). Collection method: clinical testing. Allele origin: germline.
Comment: This sequence change replaces methionine, which is neutral and non-polar, with threonine, which is neutral and polar, at codon 657 of the WFS1 protein (p.Met657Thr). This variant is present in population databases (rs754475097, gnomAD 0.0009%). This variant has not been reported in the literature in individuals affected with WFS1-related conditions. ClinVar contains an entry for this variant (Variation ID: 1712009). Invitae Evidence Modeling of protein sequence and biophysical properties (such as structural, functional, and spatial information, amino acid conservation, physicochemical variation, residue mobility, and thermodynamic stability) has been performed for this missense variant. However, the output from this modeling did not meet the statistical confidence thresholds required to predict the impact of this variant on WFS1 protein function. In summary, the available evidence is currently insufficient to determine the role of this variant in disease. Therefore, it has been classified as a Variant of Uncertain Significance.

GeneDx
Classification: Uncertain significance. Last evaluated: 2022-04-22. Review status: criteria provided, single submitter. Criteria: GeneDx Variant Classification Process June 2021. Collection method: clinical testing. Allele origin: germline. Affected: yes.
Comment: Not observed at significant frequency in large population cohorts (gnomAD); In silico analysis supports that this missense variant does not alter protein structure/function; Has not been previously published as pathogenic or benign to our knowledge

NM_006005.3(WFS1):c.1970T>C (p.Met657Thr)

Gene: WFS1 (wolframin ER transmembrane glycoprotein; plus strand). Cytogenetic location: 4p16.1.
Variant type: single nucleotide variant.
Coding change: c.1970T>C on transcript NM_006005.3 (MANE Select); coding-DNA position 1970, T replaced by C.
Protein change: p.Met657Thr; replaces methionine 657 with threonine.
Molecular consequence: missense variant.
Genome position (GRCh38, 1-based): chr4:6,301,765, T>C. VCF-style: chr4-6301765-T-C. GRCh37 (hg19) VCF-style: chr4-6303492-T-C.
Other names: c.1970T>C, p.Met657Thr (NM_001145853.1); short protein forms M657T.
Identifiers: ClinVar variation 1712009 (VCV001712009.3), dbSNP rs754475097, ClinGen allele CA2839562.